The following is an entry in ClinVar:

ClinVar aggregate classification (germline): Uncertain significance (1 of 4 stars; one submission).

Conditions:
Thrombocytopenia 1. Also called: THROMBOCYTOPENIA, X-LINKED, 1; X-Linked Thrombocytopenia (XLT); X-linked thrombocytopenia with normal platelets. Identifiers: Orphanet 268322, Orphanet 852, MedGen C1839163, MONDO:0010743, OMIM 313900.
Wiskott-Aldrich syndrome (WAS). Also called: ALDRICH SYNDROME; IMMUNODEFICIENCY 2; WISKOTT-ALDRICH SYNDROME 1; Wiskott-aldrich syndrome, somatic. Identifiers: Orphanet 906, MedGen C0043194, MONDO:0010518, OMIM 301000.
X-linked severe congenital neutropenia (SCNX). Identifiers: Orphanet 86788, MedGen C1845987, MONDO:0010294, OMIM 300299.

gnomAD v4.1: 3 of 1,163,906 alleles (0.00026%); highest among the groups gnomAD compares: South Asian, 0.002%; no homozygotes.

Submission:

Labcorp Genetics (formerly Invitae), Labcorp
Classification: Uncertain significance for Wiskott-Aldrich syndrome; X-linked severe congenital neutropenia; Thrombocytopenia 1. Last evaluated: 2025-12-22. Review status: criteria provided, single submitter. Criteria: Invitae Variant Classification Sherloc (09022015). Collection method: clinical testing. Allele origin: germline.
Comment: This sequence change replaces proline, which is neutral and non-polar, with glutamine, which is neutral and polar, at codon 403 of the WAS protein (p.Pro403Gln). This variant is not present in population databases (gnomAD no frequency). This variant has not been reported in the literature in individuals affected with WAS-related conditions. Invitae Evidence Modeling of protein sequence and biophysical properties (such as structural, functional, and spatial information, amino acid conservation, physicochemical variation, residue mobility, and thermodynamic stability) indicates that this missense variant is not expected to disrupt WAS protein function with a negative predictive value of 80%. In summary, the available evidence is currently insufficient to determine the role of this variant in disease. Therefore, it has been classified as a Variant of Uncertain Significance.

NM_000377.3(WAS):c.1208C>A (p.Pro403Gln)

Gene: WAS (WASP actin nucleation promoting factor; plus strand). Cytogenetic location: Xp11.23.
Variant type: single nucleotide variant.
Coding change: c.1208C>A on transcript NM_000377.3 (MANE Select); coding-DNA position 1208, C replaced by A.
Protein change: p.Pro403Gln; replaces proline 403 with glutamine.
Molecular consequence: missense variant.
Genome position (GRCh38, 1-based): chrX:48,688,936, C>A. VCF-style: chrX-48688936-C-A. GRCh37 (hg19) VCF-style: chrX-48547325-C-A.
Other names: c.1052C>A, p.Pro351Gln (NM_001438876.1, NM_001438878.1); c.1208C>A, p.Pro403Gln (NM_001438877.1, NM_001438879.1); short protein forms P351Q, P403Q.
Identifiers: ClinVar variation 4787460 (VCV004787460.1).